The following is an entry in ClinVar:

NM_001008537.3(NEXMIF):c.1778A>C (p.Lys593Thr)

Gene: NEXMIF (neurite extension and migration factor; minus strand). Cytogenetic location: Xq13.3.
Variant type: single nucleotide variant.
Coding change: c.1778A>C on transcript NM_001008537.3 (MANE Select); coding-DNA position 1778, A replaced by C.
Protein change: p.Lys593Thr; replaces lysine 593 with threonine.
Molecular consequence: missense variant.
Genome position (GRCh38, 1-based): chrX:74,742,779, T>G on the plus strand (A>C on the coding strand, the complement: NEXMIF is on the minus strand). VCF-style: chrX-74742779-T-G. GRCh37 (hg19) VCF-style: chrX-73962614-T-G.
Other names: short protein forms K593T.
Identifiers: ClinVar variation 2120831 (VCV002120831.4), dbSNP rs2519914958, ClinGen allele CA413669711.

ClinVar aggregate classification (germline): Uncertain significance (1 of 4 stars; one submission).

Allele frequency attached by ClinVar (database versions not stated): gnomAD exomes below 0.00001.
gnomAD v4.1: 1 of 1,211,094 alleles (0.000083%); highest among the groups gnomAD compares: Non-Finnish European, 0.00011%; no homozygotes.

Submission:

Labcorp Genetics (formerly Invitae), Labcorp
Classification: Uncertain significance. Last evaluated: 2022-12-07. Review status: criteria provided, single submitter. Criteria: Invitae Variant Classification Sherloc (09022015). Collection method: clinical testing. Allele origin: germline.
Comment: This sequence change replaces lysine, which is basic and polar, with threonine, which is neutral and polar, at codon 593 of the NEXMIF protein (p.Lys593Thr). In summary, the available evidence is currently insufficient to determine the role of this variant in disease. Therefore, it has been classified as a Variant of Uncertain Significance. Algorithms developed to predict the effect of missense changes on protein structure and function are either unavailable or do not agree on the potential impact of this missense change (SIFT: "Deleterious"; PolyPhen-2: "Possibly Damaging"; Align-GVGD: "Class C0"). This variant has not been reported in the literature in individuals affected with NEXMIF-related conditions. This variant is not present in population databases (gnomAD no frequency).